The following is an entry in ClinVar:

NM_000222.3(KIT):c.1667A>G (p.Gln556Arg)

Gene: KIT (KIT proto-oncogene, receptor tyrosine kinase; plus strand). Cytogenetic location: 4q12.
Variant type: single nucleotide variant.
Coding change: c.1667A>G on transcript NM_000222.3 (MANE Select); coding-DNA position 1667, A replaced by G.
Protein change: p.Gln556Arg; replaces glutamine 556 with arginine.
Molecular consequence: missense variant.
Genome position (GRCh38, 1-based): chr4:54,727,435, A>G. VCF-style: chr4-54727435-A-G. GRCh37 (hg19) VCF-style: chr4-55593601-A-G.
Other names: c.1655A>G, p.Gln552Arg (NM_001093772.2, NM_001385286.1); c.1670A>G, p.Gln557Arg (NM_001385284.1, NM_001385290.1); c.1667A>G, p.Gln556Arg (NM_001385285.1); c.1658A>G, p.Gln553Arg (NM_001385288.1, NM_001385292.1); short protein forms Q553R, Q557R, Q552R, Q556R.
Identifiers: ClinVar variation 1984715 (VCV001984715.3), dbSNP rs2109775895, ClinGen allele CA356907458.

ClinVar aggregate classification (germline): Uncertain significance (1 of 4 stars; one submission).

Conditions:
Gastrointestinal stromal tumor. Also called: Gastrointestinal stroma tumor; Gastrointestinal stromal tumor, somatic. Identifiers: Orphanet 44890, MedGen C0238198, MeSH D046152, MONDO:0011719, OMIM 606764, HP:0100723.

Submission:

Labcorp Genetics (formerly Invitae), Labcorp
Classification: Uncertain significance for Gastrointestinal stromal tumor. Last evaluated: 2022-01-17. Review status: criteria provided, single submitter. Criteria: Invitae Variant Classification Sherloc (09022015). Collection method: clinical testing. Allele origin: germline.
Comment: In summary, the available evidence is currently insufficient to determine the role of this variant in disease. Therefore, it has been classified as a Variant of Uncertain Significance. Algorithms developed to predict the effect of missense changes on protein structure and function (SIFT, PolyPhen-2, Align-GVGD) all suggest that this variant is likely to be disruptive. This variant has not been reported in the literature in individuals affected with KIT-related conditions. This variant is not present in population databases (gnomAD no frequency). This sequence change replaces glutamine, which is neutral and polar, with arginine, which is basic and polar, at codon 556 of the KIT protein (p.Gln556Arg).